The following is an entry in ClinVar:

ClinVar aggregate classification (germline): Uncertain significance (1 of 4 stars; one submission).

Submission:

GeneDx
Classification: Uncertain significance. Last evaluated: 2025-03-24. Review status: criteria provided, single submitter. Criteria: GeneDx Variant Classification Process June 2021. Collection method: clinical testing. Allele origin: germline. Affected: yes.
Comment: Not observed at significant frequency in large population cohorts (gnomAD); In silico analysis supports that this missense variant has a deleterious effect on protein structure/function; Has not been previously published as pathogenic or benign to our knowledge

NM_014225.6(PPP2R1A):c.526G>C (p.Asp176His)

Gene: PPP2R1A (protein phosphatase 2 scaffold subunit Aalpha; plus strand). Cytogenetic location: 19q13.41.
Variant type: single nucleotide variant.
Coding change: c.526G>C on transcript NM_014225.6 (MANE Select); coding-DNA position 526, G replaced by C.
Protein change: p.Asp176His; replaces aspartic acid 176 with histidine.
Molecular consequence: missense variant. On other transcripts: 5 prime UTR variant (1), non-coding transcript variant (1).
Genome position (GRCh38, 1-based): chr19:52,212,708, G>C. VCF-style: chr19-52212708-G-C. GRCh37 (hg19) VCF-style: chr19-52715961-G-C.
Other names: c.-12G>C (NM_001363656.2); short protein forms D176H.
Identifiers: ClinVar variation 4088254 (VCV004088254.1).
Genomic context (GRCh38, chr19:52,212,708, plus strand): 5'-CTGCCTGCTGCCTCAGGATCCCCGTCCCCGACTCCCAGGTACTTCCGGAACCTGTGCTCA[G>C]ATGACACCCCCATGGTGCGGCGGGCCGCAGCCTCCAAGCTGGGGGAGTTTGCCAAGGTGC-3'
Protein context (NP_055040.2, residues 166-186): LRQYFRNLCS[Asp176His]DTPMVRRAAA